The following is an entry in ClinVar:

ClinVar aggregate classification (germline): Uncertain significance (1 of 4 stars; one submission).

Conditions:
Cardiomyopathy (CMYO). Also called: Cardiomyopathies. Identifiers: Orphanet 167848, MedGen C0878544, MONDO:0004994, HP:0001638. Inheritance: Various modes of inheritance.

Submission:

Color Diagnostics, LLC DBA Color Health
Classification: Uncertain significance for Cardiomyopathy. Last evaluated: 2025-09-30. Review status: criteria provided, single submitter. Criteria: ACMG Guidelines, 2015. Collection method: clinical testing. Allele origin: germline.
Comment: This variant causes a single nucleotide deletion at -10 position in intron 5 of the PKP2 gene. To our knowledge, functional studies have not been reported for this variant. This variant has not been reported in individuals affected with PKP2-related disorders in the literature. This variant has not been identified in the general population by the Genome Aggregation Database (gnomAD). The available evidence is insufficient to determine the role of this variant in disease conclusively. Therefore, this variant is classified as a Variant of Uncertain Significance.

NM_001005242.3(PKP2):c.1379-2118del

Gene: PKP2 (plakophilin 2; minus strand). Cytogenetic location: 12p11.21.
Variant type: Deletion.
Coding change: c.1379-2118del on transcript NM_001005242.3 (MANE Select); 2118 bases into the intron before coding-DNA position 1379, one base deleted (C; older notation c.1379-2118delC).
Molecular consequence: intron variant.
Genome position (GRCh38, 1-based): chr12:32,843,323, G deleted on the plus strand (C on the coding strand, the reverse complement: PKP2 is on the minus strand); the first of 2 consecutive G bases (chr12:32,843,323-32,843,324); deleting either gives the same sequence. VCF-style (leftmost placement, unchanged base first): chr12-32843322-AG-A. GRCh37 (hg19) VCF-style: chr12-32996256-AG-A.
Other names: c.1379-2118del (NM_001407156.1, NM_001407155.1, NM_001407161.1); c.1379-10del (NM_004572.4, NM_001407157.1); c.1052-2118del (NM_001407160.1, NM_001407159.1, NM_001407158.1 and 1 more transcripts).
Identifiers: ClinVar variation 4758453 (VCV004758453.1).